The following is an entry in ClinVar:

NM_001278716.2(FBXL4):c.64C>T (p.Arg22Ter)

Gene: FBXL4 (F-box and leucine rich repeat protein 4; minus strand). Cytogenetic location: 6q16.2.
Variant type: single nucleotide variant.
Coding change: c.64C>T on transcript NM_001278716.2 (MANE Select); coding-DNA position 64, C replaced by T.
Protein change: p.Arg22Ter; replaces arginine 22 with a stop codon.
Molecular consequence: nonsense. On other transcripts: non-coding transcript variant (2).
Genome position (GRCh38, 1-based): chr6:98,926,925, G>A on the plus strand (C>T on the coding strand, the complement: FBXL4 is on the minus strand). VCF-style: chr6-98926925-G-A. GRCh37 (hg19) VCF-style: chr6-99374801-G-A.
Other names: p.Arg22*; c.64C>T, p.Arg22Ter (NM_012160.5); short protein forms R22*.
Identifiers: ClinVar variation 209153 (VCV000209153.31), dbSNP rs200440128, ClinGen allele CA250339.

ClinVar aggregate classification (germline): Pathogenic/Likely pathogenic. Review status: criteria provided, multiple submitters, no conflicts (2 of 4 stars). 16 submissions from 16 submitters: Pathogenic (14); Likely pathogenic (1). 1 of the submissions does not count toward it. Last evaluated 2026-07-01.

Conditions:
Inborn genetic diseases. Identifiers: MedGen C0950123, MeSH D030342.
FBXL4-related disorder. Also called: FBXL4-related condition.
Mitochondrial DNA depletion syndrome 13. Also called: Mitochondrial DNA depletion syndrome 13 (encephalomyopathic type); FBXL4-Related Encephalomyopathic Mitochondrial DNA Depletion Syndrome. Identifiers: Orphanet 369897, MedGen C3809592, MONDO:0014198, OMIM 615471.
Neurodevelopmental delay. Identifiers: MedGen C4022738, HP:0012758.

Allele frequency attached by ClinVar (database versions not stated): ExAC 0.00004; gnomAD 0.00005; gnomAD exomes 0.00006 and 0.00017; TOPMed 0.00008.
gnomAD v4.1: 261 of 1,613,916 alleles (0.016%); highest among the groups gnomAD compares: Non-Finnish European, 0.02%; no homozygotes.

Submissions (16):

CeGaT Center for Human Genetics Tuebingen
Classification: Pathogenic. Last evaluated: 2026-07-01. Review status: criteria provided, single submitter. Criteria: CeGaT Center For Human Genetics Tuebingen Variant Classification Criteria Version 2. Collection method: clinical testing. Allele origin: germline. Affected: yes. Observed: 1 variant allele.
Comment: FBXL4: PM3:Strong, PVS1:Strong, PM2

3billion
Classification: Pathogenic for Mitochondrial DNA depletion syndrome 13. Last evaluated: 2025-11-12. Review status: criteria provided, single submitter. Criteria: ACMG Guidelines, 2015. Collection method: clinical testing. Allele origin: germline. Affected: yes.
Comment: The variant is observed at an extremely low frequency in the gnomAD v4.1.0 dataset (total allele frequency: 0.016%). Predicted Consequence/Location: Stop-gained (nonsense): predicted to result in a loss or disruption of normal protein function through nonsense-mediated decay (NMD) or protein truncation. Multiple pathogenic variants are reported downstream of the variant. The variant has been reported at least twice as pathogenic with clinical assertions and evidence for the classification (ClinVar ID: VCV000209153 /PMID: 27290639). Therefore, this variant is classified as Pathogenic according to the recommendation of ACMG/AMP guideline.

Labcorp Genetics (formerly Invitae), Labcorp
Classification: Pathogenic. Last evaluated: 2025-10-07. Review status: criteria provided, single submitter. Criteria: Invitae Variant Classification Sherloc (09022015). Collection method: clinical testing. Allele origin: germline.
Comment: This sequence change creates a premature translational stop signal (p.Arg22*) in the FBXL4 gene. It is expected to result in an absent or disrupted protein product. Loss-of-function variants in FBXL4 are known to be pathogenic (PMID: 23993193, 23993194, 25868664). This variant is present in population databases (rs200440128, gnomAD 0.009%). This premature translational stop signal has been observed in individual(s) with clinical features of FBXL4-related conditions (PMID: 27290639, 27743463). ClinVar contains an entry for this variant (Variation ID: 209153). For these reasons, this variant has been classified as Pathogenic.

Ambry Genetics
Classification: Pathogenic for Inborn genetic diseases. Last evaluated: 2025-05-13. Review status: criteria provided, single submitter. Criteria: Ambry Variant Classification Scheme 2023. Collection method: clinical testing. Allele origin: germline.
Comment: The c.64C>T (p.R22*) alteration, located in exon 3 (coding exon 1) of the FBXL4 gene, consists of a C to T substitution at nucleotide position 64. This changes the amino acid from an arginine (R) to a stop codon at amino acid position 22. This alteration is expected to result in loss of function by premature protein truncation or nonsense-mediated mRNA decay. Based on data from gnomAD, the T allele has an overall frequency of 0.006% (16/282522) total alleles studied. The highest observed frequency was 0.009% (12/128900) of European (non-Finnish) alleles. This variant has been identified in the homozygous state and/or in conjunction with other FBXL4 variants in individuals with features consistent with FBXL4-related mitochondrial DNA depletion syndrome; in at least one instance, the variants were identified in trans (Pronicka, 2016; Dai, 2016; Ambry internal data). Based on the available evidence, this alteration is classified as pathogenic.

Revvity Omics, Revvity
Classification: Pathogenic for Mitochondrial DNA depletion syndrome 13. Last evaluated: 2023-10-30. Review status: criteria provided, single submitter. Criteria: ACMG Guidelines, 2015. Collection method: clinical testing. Allele origin: germline.

Mayo Clinic Laboratories, Mayo Clinic
Classification: Pathogenic. Last evaluated: 2023-07-31. Review status: criteria provided, single submitter. Criteria: ACMG Guidelines, 2015. Collection method: clinical testing. Allele origin: germline. Observed: 1 variant allele.
Comment: PM2_moderate, PM3, PVS1

Blueprint Genetics
Classification: Pathogenic for FBXL4-related disorders. Last evaluated: 2023-06-12. Review status: criteria provided, single submitter. Criteria: ACMG Guidelines, 2015. Collection method: clinical testing. Allele origin: germline. Affected: yes. Observed: 5 variant alleles.

GeneDx
Classification: Pathogenic. Last evaluated: 2022-05-18. Review status: criteria provided, single submitter. Criteria: GeneDx Variant Classification Process June 2021. Collection method: clinical testing. Allele origin: germline. Affected: yes.
Comment: Nonsense variant predicted to result in protein truncation or nonsense mediated decay in a gene for which loss-of-function is a known mechanism of disease; Not observed at a significant frequency in large population cohorts (gnomAD); This variant is associated with the following publications: (PMID: 27290639, 27743463, 28940506, 26633545, 30804983, 32525278, 33726816)

Fulgent Genetics
Classification: Pathogenic for Mitochondrial DNA depletion syndrome 13. Last evaluated: 2022-03-23. Review status: criteria provided, single submitter. Criteria: ACMG Guidelines, 2015. Collection method: clinical testing. Allele origin: unknown.

Department of Genetics, Rouen University Hospital, Normandy Center for Genomic and Personalized Medicine
Classification: Likely pathogenic for Mitochondrial DNA depletion syndrome 13. Last evaluated: 2021-01-28. Review status: criteria provided, single submitter. Criteria: ACMG Guidelines, 2015. Collection method: clinical testing. Allele origin: maternal. Affected: yes.

Department of Molecular and Human Genetics, Baylor College of Medicine
Classification: Pathogenic for Mitochondrial DNA depletion syndrome 13. Last evaluated: 2020-04-16. Review status: criteria provided, single submitter. Criteria: ACMG Guidelines, 2015. Collection method: clinical testing. Allele origin: inherited. Affected: yes. Observed: 1 heterozygote.

Genetic Services Laboratory, University of Chicago
Classification: Pathogenic. Last evaluated: 2017-08-29. Review status: criteria provided, single submitter. Criteria: ACMG Guidelines, 2015. Collection method: clinical testing. Allele origin: germline. Affected: yes.

Wong Mito Lab, Molecular and Human Genetics, Baylor College of Medicine
Classification: Pathogenic for Mitochondrial DNA depletion syndrome 13. Last evaluated: 2017-08-10. Review status: criteria provided, single submitter. Criteria: ACMG Guidelines, 2015. Collection method: clinical testing. Allele origin: germline. Affected: yes.
Comment: The NM_012160.4:c.64C>T (NP_036292.2:p.Arg22Ter) [GRCH38: NC_000006.12:g.98926925G>A] variant in FBXL4 gene is interpretated to be a Pathogenic based on ACMG guidelines (PMID: 25741868). This variant has been reported in PMID:27743463 ; 27290639 . This variant meets one or more of the following evidence codes reported in the ACMG-guideline. PVS1:This variant is a predcted null variant in FBXL4 where loss of function is a known mechanism of disease. PM2:This variant is absent in key population databases. PM3:Detected in trans with a pathogenic variant for Mitochondrial DNA depletion syndrome 13 which is a recessive disorder. PP4:Patientâ€™s phenotype or family history is highly specific for FBXL4. PP5:Reputable source(s) suggest that the variant is pathogenic. Based on this evidence code ClinGen Pathogenicity Calculator (PMID:28081714) suggested that the variant is Pathogenic.

Eurofins Ntd Llc (ga)
Classification: Pathogenic. Last evaluated: 2016-02-02. Review status: criteria provided, single submitter. Criteria: EGL Classification Definitions 2015. Collection method: clinical testing. Allele origin: germline. Observed: 1 variant allele, 1 heterozygote.

Centre de Biologie Pathologie Génétique, Centre Hospitalier Universitaire de Lille
Classification: Pathogenic for Neurodevelopmental delay. Review status: criteria provided, single submitter. Criteria: ACMG Guidelines, 2015. Collection method: clinical testing. Allele origin: biparental. Affected: yes.

Laboratory of Molecular Genetics (Pr. Bezieau's lab), CHU de Nantes
Classification: Pathogenic. Last evaluated: 2017-07-27. Review status: no assertion criteria provided. Collection method: clinical testing. Allele origin: germline. Affected: yes. Not counted in ClinVar's aggregate classification.

Literature cited by the submitters: PubMed 27290639 (cited by 5 submitters); PubMed 23993193 (cited by Labcorp Genetics (formerly Invitae), Labcorp); PubMed 23993194 (cited by Labcorp Genetics (formerly Invitae), Labcorp); PubMed 25868664 (cited by Labcorp Genetics (formerly Invitae), Labcorp); PubMed 27743463 (cited by 4 submitters); PubMed 28940506 (cited by Ambry Genetics and Mayo Clinic Laboratories, Mayo Clinic); PubMed 32525278 (cited by Mayo Clinic Laboratories, Mayo Clinic); PubMed 33726816 (cited by Mayo Clinic Laboratories, Mayo Clinic); PubMed 32576985 (cited by Department of Molecular and Human Genetics, Baylor College of Medicine).